The following is an entry in ClinVar:

NM_001365999.1(SZT2):c.7562T>C (p.Val2521Ala)

Gene: SZT2 (SZT2 subunit of KICSTOR complex; plus strand). Cytogenetic location: 1p34.2.
Variant type: single nucleotide variant.
Coding change: c.7562T>C on transcript NM_001365999.1 (MANE Select); coding-DNA position 7562, T replaced by C.
Protein change: p.Val2521Ala; replaces valine 2521 with alanine.
Molecular consequence: missense variant.
Genome position (GRCh38, 1-based): chr1:43,441,554, T>C. VCF-style: chr1-43441554-T-C. GRCh37 (hg19) VCF-style: chr1-43907225-T-C.
Other names: p.Val2464Ala; c.7391T>C, p.Val2464Ala (NM_015284.4); short protein forms V2464A, V2521A.
Identifiers: ClinVar variation 235494 (VCV000235494.100), dbSNP rs150113647, ClinGen allele CA810266.

ClinVar aggregate classification (germline): Benign/Likely benign. Review status: criteria provided, multiple submitters, no conflicts (2 of 4 stars). 13 submissions from 13 submitters: Benign (4); Likely benign (8). 1 of the submissions does not count toward it. Last evaluated 2026-06-01.

Conditions:
Inborn genetic diseases. Identifiers: MedGen C0950123, MeSH D030342.
SZT2-related disorder. Also called: SZT2-related condition.
Developmental and epileptic encephalopathy, 18 (DEE18). Also called: Early infantile epileptic encephalopathy 18. Identifiers: Orphanet 369894, MedGen C3809624, MONDO:0014201, OMIM 615476.

Allele frequency attached by ClinVar (database versions not stated): 1000 Genomes Project 0.00080; 1000 Genomes Project 30x 0.00094; gnomAD 0.00334 and 0.00337; TOPMed 0.00352; ESP Exome Variant Server 0.00392; gnomAD exomes 0.00417 and 0.00448; ExAC 0.00526.

Submissions (13):

CeGaT Center for Human Genetics Tuebingen
Classification: Likely benign. Last evaluated: 2026-06-01. Review status: criteria provided, single submitter. Criteria: CeGaT Center For Human Genetics Tuebingen Variant Classification Criteria Version 2. Collection method: clinical testing. Allele origin: germline. Affected: yes. Observed: 38 variant alleles.
Comment: SZT2: BP4, BS2

Labcorp Genetics (formerly Invitae), Labcorp
Classification: Benign. Last evaluated: 2026-02-03. Review status: criteria provided, single submitter. Criteria: Invitae Variant Classification Sherloc (09022015). Collection method: clinical testing. Allele origin: germline.

Genomic Medicine Center of Excellence, King Faisal Specialist Hospital and Research Centre
Classification: Likely benign. Last evaluated: 2025-08-18. Review status: criteria provided, single submitter. Criteria: ACMG Guidelines, 2015. Collection method: clinical testing. Allele origin: germline.

ARUP Laboratories, Molecular Genetics and Genomics, ARUP Laboratories
Classification: Likely benign for Developmental and epileptic encephalopathy, 18. Last evaluated: 2025-02-06. Review status: criteria provided, single submitter. Criteria: ARUP Molecular Germline Variant Investigation Process 2024. Collection method: clinical testing. Allele origin: germline.

Blueprint Genetics
Classification: Likely benign. Last evaluated: 2024-11-22. Review status: criteria provided, single submitter. Criteria: ACMG Guidelines, 2015. Collection method: clinical testing. Allele origin: germline.

Athena Diagnostics
Classification: Benign. Last evaluated: 2024-10-04. Review status: criteria provided, single submitter. Criteria: Athena Diagnostics Criteria. Collection method: clinical testing. Allele origin: unknown.

Genome-Nilou Lab
Classification: Likely benign for Developmental and epileptic encephalopathy, 18. Last evaluated: 2023-04-11. Review status: criteria provided, single submitter. Criteria: ACMG Guidelines, 2015. Collection method: clinical testing. Allele origin: germline. Affected: no.

Mayo Clinic Laboratories, Mayo Clinic
Classification: Benign. Last evaluated: 2023-02-21. Review status: criteria provided, single submitter. Criteria: ACMG Guidelines, 2015. Collection method: clinical testing. Allele origin: germline. Observed: 5 variant alleles.
Comment: BS1, BS2, BP4

GeneDx
Classification: Benign. Last evaluated: 2019-08-20. Review status: criteria provided, single submitter. Criteria: GeneDx Variant Classification Process June 2021. Collection method: clinical testing. Allele origin: germline. Affected: yes.

Ambry Genetics
Classification: Likely benign for Inborn genetic diseases. Last evaluated: 2018-06-05. Review status: criteria provided, single submitter. Criteria: Ambry Variant Classification Scheme 2023. Collection method: clinical testing. Allele origin: germline.

Center for Pediatric Genomic Medicine, Children's Mercy Hospital and Clinics
Classification: Likely benign. Last evaluated: 2016-02-04. Review status: criteria provided, single submitter. Criteria: ACMG Guidelines, 2015. Collection method: clinical testing. Allele origin: germline.
ClinVar note: Converted during submission from Likely Benign to Likely benign.

Breakthrough Genomics
Classification: Likely benign. Review status: criteria provided, single submitter. Criteria: ACMG Guidelines, 2015. Collection method: not provided. Allele origin: germline. Inheritance: Autosomal recessive inheritance. Affected: yes.

PreventionGenetics, part of Exact Sciences
Classification: Benign for SZT2-related condition. Last evaluated: 2019-06-26. Review status: no assertion criteria provided. Collection method: clinical testing. Allele origin: germline. Not counted in ClinVar's aggregate classification.
Comment: This variant is classified as benign based on ACMG/AMP sequence variant interpretation guidelines (Richards et al. 2015 PMID: 25741868, with internal and published modifications).

Literature cited by the submitters: PubMed 28491533 (cited by Athena Diagnostics); PubMed 29590070 (cited by Athena Diagnostics).